The following is an entry in ClinVar:

NM_004006.3(DMD):c.941G>A (p.Arg314Gln)

Gene: DMD (dystrophin; minus strand). Cytogenetic location: Xp21.1.
Variant type: single nucleotide variant.
Coding change: c.941G>A on transcript NM_004006.3 (MANE Select); coding-DNA position 941, G replaced by A.
Protein change: p.Arg314Gln; replaces arginine 314 with glutamine.
Molecular consequence: missense variant.
Genome position (GRCh38, 1-based): chrX:32,697,889, C>T on the plus strand (G>A on the coding strand, the complement: DMD is on the minus strand). VCF-style: chrX-32697889-C-T. GRCh37 (hg19) VCF-style: chrX-32716006-C-T.
Other names: c.917G>A, p.Arg306Gln (NM_000109.4); c.929G>A, p.Arg310Gln (NM_004009.3); c.572G>A, p.Arg191Gln (NM_004010.3); short protein forms R191Q, R306Q, R310Q, R314Q.
Identifiers: ClinVar variation 4869864 (VCV004869864.1).
Genomic context (GRCh38, chrX:32,697,889, plus strand): 5'-AGTTCTCTGGTTTGTACAACAGAGAGTAAATGTTGACAGACCTGTGAAGGAAATGGGCTC[C>T]GTGTAGGGTCAGAGGTGGTGACATAAGCAGCCTGTGTGTAGGCATAGCTCTTGAATCGAG-3'
Protein context (NP_003997.2, residues 304-324): AAYVTTSDPT[Arg314Gln]SPFPSQHLEA

ClinVar aggregate classification (germline): Uncertain significance (1 of 4 stars; one submission).

Conditions:
Cardiovascular phenotype. Identifiers: MedGen CN230736.

gnomAD v4.1: 3 of 1,210,228 alleles (0.00025%); highest among the groups gnomAD compares: Non-Finnish European, 0.00034%; no homozygotes.

Submission:

Ambry Genetics
Classification: Uncertain significance for Cardiovascular phenotype. Last evaluated: 2026-04-03. Review status: criteria provided, single submitter. Criteria: Ambry Variant Classification Scheme 2023. Collection method: clinical testing. Allele origin: germline.
Comment: The p.R314Q variant (also known as c.941G>A), located in coding exon 9 of the DMD gene, results from a G to A substitution at nucleotide position 941. The arginine at codon 314 is replaced by glutamine, an amino acid with highly similar properties. This amino acid position is not well conserved in available vertebrate species. In addition, this alteration is predicted to be tolerated by in silico analysis. Based on data from gnomAD, the A allele has an overall frequency of 0.0006% (1/181635) total alleles studied, with no hemizygote(s) observed. The highest observed frequency was 0.0012% (1/80937) of European (non-Finnish) alleles. Based on the available evidence, the clinical significance of this variant remains unclear.